The following is an entry in ClinVar:

ClinVar aggregate classification (germline): Uncertain significance (1 of 4 stars; one submission).

Allele frequency attached by ClinVar (database versions not stated): gnomAD exomes below 0.00001.
gnomAD v4.1: 2 of 1,614,140 alleles (0.00012%); highest among the groups gnomAD compares: Non-Finnish European, 0.00017%; no homozygotes.

Submission:

GeneDx
Classification: Uncertain significance. Last evaluated: 2022-03-24. Review status: criteria provided, single submitter. Criteria: GeneDx Variant Classification Process June 2021. Collection method: clinical testing. Allele origin: germline. Affected: yes.
Comment: Not observed at significant frequency in large population cohorts (gnomAD); In silico analysis supports that this missense variant has a deleterious effect on protein structure/function; Has not been previously published as pathogenic or benign to our knowledge

NM_003477.3(PDHX):c.767C>T (p.Pro256Leu)

Gene: PDHX (pyruvate dehydrogenase complex component X; plus strand). Cytogenetic location: 11p13.
Variant type: single nucleotide variant.
Coding change: c.767C>T on transcript NM_003477.3 (MANE Select); coding-DNA position 767, C replaced by T.
Protein change: p.Pro256Leu; replaces proline 256 with leucine.
Molecular consequence: missense variant. On other transcripts: intron variant (1).
Genome position (GRCh38, 1-based): chr11:34,966,765, C>T. VCF-style: chr11-34966765-C-T. GRCh37 (hg19) VCF-style: chr11-34988312-C-T.
Other names: c.587C>T, p.Pro196Leu (NM_001135024.2); c.343-17805C>T (NM_001166158.2); short protein forms P196L, P256L.
Identifiers: ClinVar variation 1707048 (VCV001707048.2), dbSNP rs2494721445, ClinGen allele CA380120732.